The following is an entry in ClinVar:

NM_000059.4(BRCA2):c.6114T>C (p.His2038=)

Gene: BRCA2 (BRCA2 DNA repair associated; plus strand). Cytogenetic location: 13q13.1.
Variant type: single nucleotide variant.
Coding change: c.6114T>C on transcript NM_000059.4 (MANE Select); coding-DNA position 6114, T replaced by C.
Protein change: p.His2038=; no amino-acid change (histidine 2038 retained).
Molecular consequence: synonymous variant.
Genome position (GRCh38, 1-based): chr13:32,340,469, T>C. VCF-style: chr13-32340469-T-C. GRCh37 (hg19) VCF-style: chr13-32914606-T-C.
Identifiers: ClinVar variation 187268 (VCV000187268.18), dbSNP rs786203600, ClinGen allele CA023667.

ClinVar aggregate classification (germline): Likely benign. Review status: reviewed by expert panel (3 of 4 stars). 3 submissions from 3 submitters: Likely benign (1). 2 of the submissions do not count toward it. Last evaluated 2017-06-29.

Conditions:
Hereditary breast ovarian cancer syndrome. Also called: Hereditary breast and ovarian cancer; Hereditary breast and ovarian cancer syndrome; Breast and ovarian cancer; Hereditary breast and ovarian cancer syndrome (HBOC); Hereditary breast and/or ovarian cancer syndrome; BRCA1- and BRCA2-Associated Hereditary Breast and Ovarian Cancer. Identifiers: Orphanet 145, MedGen C0677776, MeSH D061325, MONDO:0003582. Disease mechanism: loss of function.
Hereditary cancer-predisposing syndrome. Also called: Hereditary Cancer Syndrome; Neoplastic Syndromes, Hereditary; Tumor predisposition; Hereditary neoplastic syndrome. Identifiers: Orphanet 140162, MedGen C0027672, MeSH D009386, MONDO:0015356.
Breast-ovarian cancer, familial, susceptibility to, 2 (BROVCA2). Also called: BRCA2 Hereditary Breast and Ovarian Cancer. Identifiers: Orphanet 145, MedGen C2675520, MONDO:0012933, OMIM 612555. Disease mechanism: loss of function.

Submissions (3):

Evidence-based Network for the Interpretation of Germline Mutant Alleles (ENIGMA)
Classification: Likely benign for Breast-ovarian cancer, familial, susceptibility to, 2. Last evaluated: 2017-06-29. Review status: reviewed by expert panel. Criteria: ENIGMA BRCA1/2 Classification Criteria (2017-06-29). Collection method: curation. Allele origin: germline.
Comment: Synonymous substitution variant, with low bioinformatic likelihood to result in a splicing aberration (Splicing prior probability 0.02).

Labcorp Genetics (formerly Invitae), Labcorp
Classification: Likely benign for Hereditary breast ovarian cancer syndrome. Last evaluated: 2025-09-07. Review status: criteria provided, single submitter. Criteria: Invitae Variant Classification Sherloc (09022015). Collection method: clinical testing. Allele origin: germline. Not counted in ClinVar's aggregate classification.

Ambry Genetics
Classification: Likely benign for Hereditary cancer-predisposing syndrome. Last evaluated: 2014-12-10. Review status: criteria provided, single submitter. Criteria: Ambry Variant Classification Scheme 2023. Collection method: clinical testing. Allele origin: germline. Not counted in ClinVar's aggregate classification.